The following is an entry in ClinVar:

NM_015046.7(SETX):c.-115+154G>T

Genes: SETX (senataxin; minus strand), LOC126860783 (CDK7 strongly-dependent group 2 enhancer GRCh37_chr9:135229958-135231157; plus strand). Cytogenetic location: 9q34.13.
Variant type: single nucleotide variant.
Coding change: c.-115+154G>T on transcript NM_015046.7 (MANE Select); 154 bases into the intron after 115 bases upstream of the start codon, G replaced by T.
Molecular consequence: intron variant. On other transcripts: 5 prime UTR variant (1).
Genome position (GRCh38, 1-based): chr9:132,354,763, C>A on the plus strand (G>T on the coding strand, the complement: SETX is on the minus strand). VCF-style: chr9-132354763-C-A. GRCh37 (hg19) VCF-style: chr9-135230150-C-A.
Other names: c.-227G>T (NM_001351527.2); c.-115+154G>T (NM_001351528.2).
Identifiers: ClinVar variation 1703397 (VCV001703397.2), dbSNP rs193035786, ClinGen allele CA13063984.

ClinVar aggregate classification (germline): Likely benign (1 of 4 stars; one submission).

Allele frequency attached by ClinVar (database versions not stated): 1000 Genomes Project 0.00839; 1000 Genomes Project 30x 0.01015; TOPMed 0.01218.
gnomAD v4.1: 1,566 of 151,570 alleles (1%); highest among the groups gnomAD compares: African/African-American, 3.6%; 29 homozygotes.

Submission:

GeneDx
Classification: Likely benign. Last evaluated: 2022-02-27. Review status: criteria provided, single submitter. Criteria: GeneDx Variant Classification Process June 2021. Collection method: clinical testing. Allele origin: germline. Affected: yes.
Comment: See Variant Classification Assertion Criteria.